The following is an entry in ClinVar:

ClinVar aggregate classification (germline): Uncertain significance. Review status: criteria provided, multiple submitters, no conflicts (2 of 4 stars). 4 submissions from 4 submitters: Uncertain significance (2). 2 of the submissions do not count toward it. Last evaluated 2026-08-13.

Conditions:
Aortic valve disease 2 (AOVD2). Identifiers: MedGen C3542024, MONDO:0013902, OMIM 614823.
Inborn genetic diseases. Identifiers: MedGen C0950123, MeSH D030342.

gnomAD v4.1: 21 of 1,599,656 alleles (0.0013%); highest among the groups gnomAD compares: East Asian, 0.0022%; no homozygotes.

Submissions (4):

Ambry Genetics
Classification: Uncertain significance for Inborn genetic diseases. Last evaluated: 2026-08-13. Review status: criteria provided, single submitter. Criteria: Ambry Variant Classification Scheme 2023. Collection method: clinical testing. Allele origin: germline.

Labcorp Genetics (formerly Invitae), Labcorp
Classification: Uncertain significance for Aortic valve disease 2. Last evaluated: 2025-03-31. Review status: criteria provided, single submitter. Criteria: Invitae Variant Classification Sherloc (09022015). Collection method: clinical testing. Allele origin: germline.
Comment: This sequence change replaces aspartic acid, which is acidic and polar, with asparagine, which is neutral and polar, at codon 440 of the SMAD6 protein (p.Asp440Asn). The frequency data for this variant in the population databases is considered unreliable, as metrics indicate poor data quality at this position in the gnomAD database. This variant has not been reported in the literature in individuals affected with SMAD6-related conditions. ClinVar contains an entry for this variant (Variation ID: 1299806). Invitae Evidence Modeling of protein sequence and biophysical properties (such as structural, functional, and spatial information, amino acid conservation, physicochemical variation, residue mobility, and thermodynamic stability) indicates that this missense variant is not expected to disrupt SMAD6 protein function with a negative predictive value of 80%. In summary, the available evidence is currently insufficient to determine the role of this variant in disease. Therefore, it has been classified as a Variant of Uncertain Significance.

Clinical Genetics DNA and cytogenetics Diagnostics Lab, Erasmus MC, Erasmus Medical Center
Classification: Uncertain significance. Review status: no assertion criteria provided. Collection method: clinical testing. Allele origin: germline. Affected: yes. Study: VKGL Data-share Consensus. Not counted in ClinVar's aggregate classification.

Genome Diagnostics Laboratory, University Medical Center Utrecht
Classification: Uncertain significance. Review status: no assertion criteria provided. Collection method: clinical testing. Allele origin: germline. Affected: yes. Study: VKGL Data-share Consensus. Not counted in ClinVar's aggregate classification.

NM_005585.5(SMAD6):c.1318G>A (p.Asp440Asn)

Gene: SMAD6 (SMAD family member 6; plus strand). Cytogenetic location: 15q22.31.
Variant type: single nucleotide variant.
Coding change: c.1318G>A on transcript NM_005585.5 (MANE Select); coding-DNA position 1318, G replaced by A.
Protein change: p.Asp440Asn; replaces aspartic acid 440 with asparagine.
Molecular consequence: missense variant. On other transcripts: non-coding transcript variant (1).
Genome position (GRCh38, 1-based): chr15:66,781,362, G>A. VCF-style: chr15-66781362-G-A. GRCh37 (hg19) VCF-style: chr15-67073700-G-A.
Other names: c.1318G>A (NM_005585.4); short protein forms D440N.
Identifiers: ClinVar variation 1299806 (VCV001299806.5), dbSNP rs924329960, ClinGen allele CA393202293.